The following is an entry in ClinVar:

NM_001886.3(CRYBA4):c.475G>A (p.Gly159Arg)

Gene: CRYBA4 (crystallin beta A4; plus strand). Cytogenetic location: 22q12.1.
Variant type: single nucleotide variant.
Coding change: c.475G>A on transcript NM_001886.3 (MANE Select); coding-DNA position 475, G replaced by A.
Protein change: p.Gly159Arg; replaces glycine 159 with arginine.
Molecular consequence: missense variant.
Genome position (GRCh38, 1-based): chr22:26,630,371, G>A. VCF-style: chr22-26630371-G-A. GRCh37 (hg19) VCF-style: chr22-27026335-G-A.
Other names: short protein forms G159R.
Identifiers: ClinVar variation 3347582 (VCV003347582.1).

ClinVar aggregate classification (germline): Uncertain significance (0 of 4 stars; one submission).

Conditions:
CRYBA4-related disorder. Also called: CRYBA4-related condition.

gnomAD v4.1: 3 of 1,614,256 alleles (0.00019%); highest among the groups gnomAD compares: Non-Finnish European, 0.00025%; no homozygotes.

Submission:

PreventionGenetics, part of Exact Sciences
Classification: Uncertain significance for CRYBA4-related condition. Last evaluated: 2024-06-25. Review status: no assertion criteria provided. Collection method: clinical testing. Allele origin: germline.
Comment: The CRYBA4 c.475G>A variant is predicted to result in the amino acid substitution p.Gly159Arg. To our knowledge, this variant has not been reported in the literature. This variant is reported in 0.0065% of alleles in individuals of European (Non-Finnish) descent in gnomAD. At this time, the clinical significance of this variant is uncertain due to the absence of conclusive functional and genetic evidence.